The following is an entry in ClinVar:

ClinVar aggregate classification (germline): Benign. Review status: criteria provided, multiple submitters, no conflicts (2 of 4 stars). 4 submissions from 4 submitters: Benign (4). Last evaluated 2026-02-04.

Allele frequency attached by ClinVar (database versions not stated): 1000 Genomes Project 30x 0.01093; 1000 Genomes Project 0.01178; ESP Exome Variant Server 0.01538; ExAC 0.01587; gnomAD exomes 0.01603 and 0.02020; TOPMed 0.01625; gnomAD 0.01645 and 0.01656.
gnomAD v4.1: 32,002 of 1,614,148 alleles (2%); highest among the groups gnomAD compares: Middle Eastern, 2.4%; 393 homozygotes.

Submissions (4):

Labcorp Genetics (formerly Invitae), Labcorp
Classification: Benign. Last evaluated: 2026-02-04. Review status: criteria provided, single submitter. Criteria: Invitae Variant Classification Sherloc (09022015). Collection method: clinical testing. Allele origin: germline.

ARUP Laboratories, Molecular Genetics and Genomics, ARUP Laboratories
Classification: Benign. Last evaluated: 2023-11-09. Review status: criteria provided, single submitter. Criteria: ARUP Molecular Germline Variant Investigation Process 2024. Collection method: clinical testing. Allele origin: germline.

GeneDx
Classification: Benign. Last evaluated: 2016-01-21. Review status: criteria provided, single submitter. Criteria: GeneDx Variant Classification (06012015). Collection method: clinical testing. Allele origin: germline. Affected: yes.
Comment: This variant is considered likely benign or benign based on one or more of the following criteria: it is a conservative change, it occurs at a poorly conserved position in the protein, it is predicted to be benign by multiple in silico algorithms, and/or has population frequency not consistent with disease.

Breakthrough Genomics
Classification: Benign. Review status: criteria provided, single submitter. Criteria: ACMG Guidelines, 2015. Collection method: not provided. Allele origin: germline. Inheritance: Autosomal recessive inheritance. Affected: yes.

NM_001291303.3(FAT4):c.14183G>A (p.Arg4728Lys)

Gene: FAT4 (FAT atypical cadherin 4; plus strand). Cytogenetic location: 4q28.1.
Variant type: single nucleotide variant.
Coding change: c.14183G>A on transcript NM_001291303.3 (MANE Select); coding-DNA position 14183, G replaced by A.
Protein change: p.Arg4728Lys; replaces arginine 4728 with lysine.
Molecular consequence: missense variant.
Genome position (GRCh38, 1-based): chr4:125,490,999, G>A. VCF-style: chr4-125490999-G-A. GRCh37 (hg19) VCF-style: chr4-126412154-G-A.
Other names: c.14180G>A, p.Arg4727Lys (NM_001291285.3); c.14177G>A, p.Arg4726Lys (NM_024582.6); short protein forms R4726K, R4728K, R4727K.
Identifiers: ClinVar variation 380819 (VCV000380819.24), dbSNP rs72675395, ClinGen allele CA3074519.
Genomic context (GRCh38, chr4:125,490,999, plus strand): 5'-TCTCCAAATCTTCTACGTTCTATAGAAACAGCCCAGCAAGGGAATTGCATCTTCCTATAA[G>A]GGATGGTAATACTTTGGAAATGCATGGTGACACCTGCCAACCTGGCATTTTCAACTATGC-3'
Protein context (NP_001278232.1, residues 4718-4738): SPARELHLPI[Arg4728Lys]DGNTLEMHGD